The following is an entry in ClinVar:

NM_000238.4(KCNH2):c.2690_2691delinsC (p.Lys897fs)

Gene: KCNH2 (potassium voltage-gated channel subfamily H member 2; minus strand). Cytogenetic location: 7q36.1.
Variant type: Indel.
Coding change: c.2690_2691delinsC on transcript NM_000238.4 (MANE Select); coding-DNA positions 2690 to 2691, AG replaced by C.
Protein change: p.Lys897fs; shifts the reading frame from lysine 897.
Molecular consequence: frameshift variant.
Genome position (GRCh38, 1-based): chr7:150,948,445-150,948,446, CT replaced by G on the plus strand (AG replaced by C on the coding strand, the reverse complement: KCNH2 is on the minus strand). VCF-style: chr7-150948445-CT-G. GRCh37 (hg19) VCF-style: chr7-150645533-CT-G.
Other names: c.1670_1671delinsC, p.Lys557fs (NM_172057.3); short protein forms K897fs, K557fs.
Identifiers: ClinVar variation 200658 (VCV000200658.2), dbSNP rs794728448, ClinGen allele CA007155.

ClinVar aggregate classification (germline): Pathogenic (1 of 4 stars; one submission).

Submission:

GeneDx
Classification: Pathogenic. Last evaluated: 2013-02-20. Review status: criteria provided, single submitter. Criteria: GeneDx Variant Classification (06012015). Collection method: clinical testing. Allele origin: germline. Affected: yes.
Comment: Although the c.2690_2691delinsC variant in the KCNH2 gene has not been reported to our knowledge, this variant causes a shift in reading frame starting at codon Lysine 897, changing it to a Threonine, and creating a premature stop codon at position 77 of the new reading frame, denoted p.Lys897ThrfsX77. This variant is expected to result in either an abnormal, truncated protein product or loss of protein from this allele through nonsense-mediated mRNA decay. Other frameshift variants in the KCNH2 gene have been reported in association with LQTS. In summary, c.2690_2691delAGinsC in the KCNH2 gene is interpreted as a pathogenic variant.